The following is an entry in ClinVar:

NM_004565.3(PEX14):c.18G>C (p.Gln6His)

Gene: PEX14 (peroxisomal biogenesis factor 14; plus strand). Cytogenetic location: 1p36.22.
Variant type: single nucleotide variant.
Coding change: c.18G>C on transcript NM_004565.3 (MANE Select); coding-DNA position 18, G replaced by C.
Protein change: p.Gln6His; replaces glutamine 6 with histidine.
Molecular consequence: missense variant.
Genome position (GRCh38, 1-based): chr1:10,474,984, G>C. VCF-style: chr1-10474984-G-C. GRCh37 (hg19) VCF-style: chr1-10535041-G-C.
Other names: p.Gln6His; c.18G>C (NM_004565.2); short protein forms Q6H.
Identifiers: ClinVar variation 500767 (VCV000500767.16), dbSNP rs200395336, ClinGen allele CA583656.

ClinVar aggregate classification (germline): Uncertain significance. Review status: criteria provided, multiple submitters, no conflicts (2 of 4 stars). 7 submissions from 7 submitters: Uncertain significance (6). 1 of the submissions does not count toward it. Last evaluated 2025-03-11.

Conditions:
Peroxisome biogenesis disorder, complementation group K (CGK). Identifiers: MedGen C1866257, MONDO:0800365.
Inborn genetic diseases. Identifiers: MedGen C0950123, MeSH D030342.
PEX14-related disorder. Also called: PEX14-related condition.
Peroxisome biogenesis disorder 13A (Zellweger). Also called: Peroxisome biogenesis disorder 13A. Identifiers: Orphanet 912, MedGen C3554004, MONDO:0013952, OMIM 614887.

Allele frequency attached by ClinVar (database versions not stated): gnomAD exomes 0.00013; TOPMed 0.00014; gnomAD 0.00018 and 0.00019; ExAC 0.00022; ESP Exome Variant Server 0.00023.
gnomAD v4.1: 320 of 1,609,784 alleles (0.02%); highest among the groups gnomAD compares: Non-Finnish European, 0.025%; no homozygotes.

Submissions (7):

Ambry Genetics
Classification: Uncertain significance for Inborn genetic diseases. Last evaluated: 2025-03-11. Review status: criteria provided, single submitter. Criteria: Ambry Variant Classification Scheme 2023. Collection method: clinical testing. Allele origin: germline.

Blueprint Genetics
Classification: Uncertain significance. Last evaluated: 2024-08-13. Review status: criteria provided, single submitter. Criteria: ACMG Guidelines, 2015. Collection method: clinical testing. Allele origin: germline.

Mayo Clinic Laboratories, Mayo Clinic
Classification: Uncertain significance. Last evaluated: 2024-05-09. Review status: criteria provided, single submitter. Criteria: ACMG Guidelines, 2015. Collection method: clinical testing. Allele origin: germline. Observed: 1 variant allele.
Comment: BP4, PM2_moderate

Labcorp Genetics (formerly Invitae), Labcorp
Classification: Uncertain significance for Peroxisome biogenesis disorder, complementation group K. Last evaluated: 2022-10-04. Review status: criteria provided, single submitter. Criteria: Invitae Variant Classification Sherloc (09022015). Collection method: clinical testing. Allele origin: germline.
Comment: This sequence change replaces glutamine, which is neutral and polar, with histidine, which is basic and polar, at codon 6 of the PEX14 protein (p.Gln6His). This variant is present in population databases (rs200395336, gnomAD 0.02%). This variant has not been reported in the literature in individuals affected with PEX14-related conditions. ClinVar contains an entry for this variant (Variation ID: 500767). Algorithms developed to predict the effect of missense changes on protein structure and function are either unavailable or do not agree on the potential impact of this missense change (SIFT: "Tolerated"; PolyPhen-2: "Not Available"; Align-GVGD: "Class C0"). In summary, the available evidence is currently insufficient to determine the role of this variant in disease. Therefore, it has been classified as a Variant of Uncertain Significance.

Fulgent Genetics
Classification: Uncertain significance for Peroxisome biogenesis disorder 13A (Zellweger). Last evaluated: 2022-02-23. Review status: criteria provided, single submitter. Criteria: ACMG Guidelines, 2015. Collection method: clinical testing. Allele origin: unknown.

Eurofins Ntd Llc (ga)
Classification: Uncertain significance. Last evaluated: 2017-03-08. Review status: criteria provided, single submitter. Criteria: EGL Classification Definitions 2015. Collection method: clinical testing. Allele origin: germline. Observed: 2 variant alleles, 2 heterozygotes.

PreventionGenetics, part of Exact Sciences
Classification: Uncertain significance for PEX14-related condition. Last evaluated: 2024-02-14. Review status: no assertion criteria provided. Collection method: clinical testing. Allele origin: germline. Not counted in ClinVar's aggregate classification.
Comment: The PEX14 c.18G>C variant is predicted to result in the amino acid substitution p.Gln6His. To our knowledge, this variant has not been reported in the literature. This variant is reported in 0.024% of alleles in individuals of European (Non-Finnish) descent in gnomAD. At this time, the clinical significance of this variant is uncertain due to the absence of conclusive functional and genetic evidence.